The following is an entry in ClinVar:

ClinVar aggregate classification (germline): Uncertain significance (1 of 4 stars; one submission).

gnomAD v4.1: 9 of 1,614,160 alleles (0.00056%); highest among the groups gnomAD compares: East Asian, 0.0022%; no homozygotes.

Submission:

CeGaT Center for Human Genetics Tuebingen
Classification: Uncertain significance. Last evaluated: 2025-09-01. Review status: criteria provided, single submitter. Criteria: CeGaT Center For Human Genetics Tuebingen Variant Classification Criteria Version 2. Collection method: clinical testing. Allele origin: germline. Affected: yes. Observed: 1 variant allele.
Comment: ANK2: PM2, BP4

NM_001148.6(ANK2):c.11362A>G (p.Met3788Val)

Gene: ANK2 (ankyrin 2; plus strand). Cytogenetic location: 4q26.
Variant type: single nucleotide variant.
Coding change: c.11362A>G on transcript NM_001148.6 (MANE Select); coding-DNA position 11362, A replaced by G.
Protein change: p.Met3788Val; replaces methionine 3788 with valine.
Molecular consequence: missense variant.
Genome position (GRCh38, 1-based): chr4:113,369,557, A>G. VCF-style: chr4-113369557-A-G. GRCh37 (hg19) VCF-style: chr4-114290713-A-G.
Other names: c.5080A>G, p.Met1694Val (NM_001127493.3); c.5119A>G, p.Met1707Val (NM_001354225.2); c.5008A>G, p.Met1670Val (NM_001354228.2, NM_001354258.2); c.5086A>G, p.Met1696Val (NM_001354230.2); c.5149A>G, p.Met1717Val (NM_001354231.2, NM_001354242.2); c.5143A>G, p.Met1715Val (NM_001354232.2); c.5104A>G, p.Met1702Val (NM_001354235.2, NM_001354246.2, NM_001354265.2); c.5005A>G, p.Met1669Val (NM_001354236.2); and 35 more; short protein forms M1542V, M1575V, M1603V, M1608V, M1616V, M1625V, M1628V, M1630V.
Identifiers: ClinVar variation 4281422 (VCV004281422.7).